The following is an entry in ClinVar:

ClinVar aggregate classification (germline): Conflicting classifications of pathogenicity. Review status: criteria provided, conflicting classifications (1 of 4 stars). 2 submissions from 2 submitters: Likely pathogenic (1); Uncertain significance (1). Last evaluated 2026-04-29.

Conditions:
Ornithine carbamoyltransferase deficiency (OTCD). Also called: ORNITHINE TRANSCARBAMYLASE DEFICIENCY, HYPERAMMONEMIA DUE TO; OTC DEFICIENCY; Ornithine Carbamoyltransferase Deficiency Disease; ORNITHINE TRANSCARBAMYLASE DEFICIENCY. Identifiers: Orphanet 664, MedGen C0268542, MONDO:0010703, OMIM 311250.

Submissions (2):

Department of Precision Medicine, Korea National Institute of Health
Classification: Likely pathogenic for Ornithine carbamoyltransferase deficiency. Last evaluated: 2026-04-29. Review status: criteria provided, single submitter. Criteria: ACMG Guidelines, 2015. Collection method: research. Allele origin: maternal. Affected: yes. Observed: 1 variant allele.
Comment: PP3 (MetaRNN = 0.984), PM1 (Hot-spot of length 17 amino-acids has 17 missense/in-frame variants), PM2 (Variant not found in gnomAD)

3billion
Classification: Uncertain significance for Ornithine carbamoyltransferase deficiency. Last evaluated: 2024-08-23. Review status: criteria provided, single submitter. Criteria: ACMG Guidelines, 2015. Collection method: clinical testing. Allele origin: germline. Affected: yes.
Comment: The variant is not observed in the gnomAD v4.0.0 dataset. Predicted Consequence/Location: Missense variant In silico tool predictions suggest damaging effect of the variant on gene or gene product [REVEL: 0.97 (>=0.6, sensitivity 0.68 and specificity 0.92); 3Cnet: 0.84 (>=0.6, sensitivity 0.72 and precision 0.9)]. Therefore, this variant is classified as VUS according to the recommendation of ACMG/AMP guideline.

NM_000531.6(OTC):c.841T>G (p.Phe281Val)

Gene: OTC (ornithine transcarbamylase; plus strand). Cytogenetic location: Xp11.4.
Variant type: single nucleotide variant.
Coding change: c.841T>G on transcript NM_000531.6 (MANE Select); coding-DNA position 841, T replaced by G.
Protein change: p.Phe281Val; replaces phenylalanine 281 with valine.
Molecular consequence: missense variant.
Genome position (GRCh38, 1-based): chrX:38,408,999, T>G. VCF-style: chrX-38408999-T-G. GRCh37 (hg19) VCF-style: chrX-38268252-T-G.
Other names: c.841T>G, p.Phe281Val (NM_001407092.1); short protein forms F281V.
Identifiers: ClinVar variation 4291846 (VCV004291846.2).